The following is an entry in ClinVar:

NM_005732.4(RAD50):c.3781A>G (p.Asn1261Asp)

Genes: TH2LCRR (T helper type 2 locus control region associated RNA; minus strand), RAD50 (RAD50 double strand break repair protein; plus strand). Cytogenetic location: 5q31.1.
Variant type: single nucleotide variant.
Coding change: c.3781A>G on transcript NM_005732.4 (MANE Select); coding-DNA position 3781, A replaced by G.
Protein change: p.Asn1261Asp; replaces asparagine 1261 with aspartic acid.
Molecular consequence: missense variant. On other transcripts: non-coding transcript variant (1).
Genome position (GRCh38, 1-based): chr5:132,642,206, A>G. VCF-style: chr5-132642206-A-G. GRCh37 (hg19) VCF-style: chr5-131977898-A-G.
Other names: c.3781A>G (NM_005732.3); short protein forms N1261D.
Identifiers: ClinVar variation 2096781 (VCV002096781.5), dbSNP rs2479439945, ClinGen allele CA360935718.
Genomic context (GRCh38, chr5:132,642,206, plus strand): 5'-ACTAATAATATGTTCTGAATATATTGTTGCAGGATAATAAAAAGTCGCTCACAGCAGCGT[A>G]ACTTCCAGCTTCTGGTAATCACTCATGATGAAGATTTTGTGGAGCTTTTAGGACGTTCTG-3'
Protein context (NP_005723.2, residues 1251-1271): EIIKSRSQQR[Asn1261Asp]FQLLVITHDE

ClinVar aggregate classification (germline): Uncertain significance. Review status: criteria provided, multiple submitters, no conflicts (2 of 4 stars). 2 submissions from 2 submitters: Uncertain significance (2). Last evaluated 2025-11-02.

Conditions:
Hereditary cancer-predisposing syndrome. Also called: Hereditary neoplastic syndrome; Neoplastic Syndromes, Hereditary; Tumor predisposition; Hereditary Cancer Syndrome. Identifiers: Orphanet 140162, MedGen C0027672, MeSH D009386, MONDO:0015356.

Submissions (2):

Ambry Genetics
Classification: Uncertain significance for Hereditary cancer-predisposing syndrome. Last evaluated: 2025-11-02. Review status: criteria provided, single submitter. Criteria: Ambry Variant Classification Scheme 2023. Collection method: clinical testing. Allele origin: germline.
Comment: The p.N1261D variant (also known as c.3781A>G), located in coding exon 25 of the RAD50 gene, results from an A to G substitution at nucleotide position 3781. The asparagine at codon 1261 is replaced by aspartic acid, an amino acid with highly similar properties. This amino acid position is conserved. In addition, this alteration is predicted to be tolerated by in silico analysis. Based on the available evidence, the clinical significance of this variant remains unclear.

Labcorp Genetics (formerly Invitae), Labcorp
Classification: Uncertain significance for Hereditary cancer-predisposing syndrome. Last evaluated: 2022-02-11. Review status: criteria provided, single submitter. Criteria: Invitae Variant Classification Sherloc (09022015). Collection method: clinical testing. Allele origin: germline.
Comment: In summary, the available evidence is currently insufficient to determine the role of this variant in disease. Therefore, it has been classified as a Variant of Uncertain Significance. Algorithms developed to predict the effect of missense changes on protein structure and function are either unavailable or do not agree on the potential impact of this missense change (SIFT: "Tolerated"; PolyPhen-2: "Probably Damaging"; Align-GVGD: "Class C0"). This variant has not been reported in the literature in individuals affected with RAD50-related conditions. This variant is not present in population databases (gnomAD no frequency). This sequence change replaces asparagine, which is neutral and polar, with aspartic acid, which is acidic and polar, at codon 1261 of the RAD50 protein (p.Asn1261Asp).